The following is an entry in ClinVar:

ClinVar aggregate classification (germline): Uncertain significance (1 of 4 stars; one submission).

Submission:

Mayo Clinic Laboratories, Mayo Clinic
Classification: Uncertain significance. Last evaluated: 2022-07-12. Review status: criteria provided, single submitter. Criteria: ACMG Guidelines, 2015. Collection method: clinical testing. Allele origin: germline. Observed: 1 variant allele.
Comment: PP2, PP3, PM2_supporting

NM_001035.3(RYR2):c.8545C>T (p.His2849Tyr)

Gene: RYR2 (ryanodine receptor 2; plus strand). Cytogenetic location: 1q43.
Variant type: single nucleotide variant.
Coding change: c.8545C>T on transcript NM_001035.3 (MANE Select); coding-DNA position 8545, C replaced by T.
Protein change: p.His2849Tyr; replaces histidine 2849 with tyrosine.
Molecular consequence: missense variant.
Genome position (GRCh38, 1-based): chr1:237,667,913, C>T. VCF-style: chr1-237667913-C-T. GRCh37 (hg19) VCF-style: chr1-237831213-C-T.
Other names: p.His2849Tyr; short protein forms H2849Y.
Identifiers: ClinVar variation 2682730 (VCV002682730.1), dbSNP rs2547168448, ClinGen allele CA345402472.